The following is an entry in ClinVar:

ClinVar aggregate classification (germline): Uncertain significance. Review status: criteria provided, multiple submitters, no conflicts (2 of 4 stars). 2 submissions from 2 submitters: Uncertain significance (2). Last evaluated 2025-01-23.

Conditions:
Pontocerebellar hypoplasia type 10. Identifiers: Orphanet 411493, MedGen C5190575, MONDO:0014349, OMIM 615803.
Inborn genetic diseases. Identifiers: MedGen C0950123, MeSH D030342.

Allele frequency attached by ClinVar (database versions not stated): ExAC 0.00007; gnomAD exomes 0.00009 and 0.00011; TOPMed 0.00010; gnomAD 0.00011.
gnomAD v4.1: 142 of 1,614,018 alleles (0.0088%); highest among the groups gnomAD compares: Non-Finnish European, 0.011%; no homozygotes.

Submissions (2):

Ambry Genetics
Classification: Uncertain significance for Inborn genetic diseases. Last evaluated: 2025-01-23. Review status: criteria provided, single submitter. Criteria: Ambry Variant Classification Scheme 2023. Collection method: clinical testing. Allele origin: germline.

Baylor Genetics
Classification: Uncertain significance for Pontocerebellar hypoplasia type 10. Last evaluated: 2020-06-30. Review status: criteria provided, single submitter. Criteria: ACMG Guidelines, 2015. Collection method: clinical testing. Allele origin: unknown. Affected: yes.
Comment: This variant was determined to be of uncertain significance according to ACMG Guidelines, 2015 [PMID:25741868].

NM_006831.3(CLP1):c.178G>T (p.Gly60Cys)

Gene: CLP1 (cleavage factor polyribonucleotide kinase subunit 1; plus strand). Cytogenetic location: 11q12.1.
Variant type: single nucleotide variant.
Coding change: c.178G>T on transcript NM_006831.3 (MANE Select); coding-DNA position 178, G replaced by T.
Protein change: p.Gly60Cys; replaces glycine 60 with cysteine.
Molecular consequence: missense variant.
Genome position (GRCh38, 1-based): chr11:57,659,654, G>T. VCF-style: chr11-57659654-G-T. GRCh37 (hg19) VCF-style: chr11-57427126-G-T.
Other names: c.178G>T, p.Gly60Cys (NM_001142597.2); short protein forms G60C.
Identifiers: ClinVar variation 1030159 (VCV001030159.4), dbSNP rs200305079, ClinGen allele CA6008480.
Genomic context (GRCh38, chr11:57,659,654, plus strand): 5'-GGCATGGCAGAGATCTTTGGCACAGAGCTGACCCGAAACAAGAAATTCACCTTTGATGCT[G>T]GTGCCAAGGTGGCTGTTTTCACTTGGCATGGCTGTTCTGTGCAACTGAGCGGCCGCACTG-3'
Protein context (NP_006822.1, residues 50-70): TRNKKFTFDA[Gly60Cys]AKVAVFTWHG